The following is an entry in ClinVar:

NM_000548.5(TSC2):c.2096A>G (p.Gln699Arg)

Gene: TSC2 (TSC complex subunit 2; plus strand). Cytogenetic location: 16p13.3.
Variant type: single nucleotide variant.
Coding change: c.2096A>G on transcript NM_000548.5 (MANE Select); coding-DNA position 2096, A replaced by G.
Protein change: p.Gln699Arg; replaces glutamine 699 with arginine.
Molecular consequence: missense variant.
Genome position (GRCh38, 1-based): chr16:2,071,933, A>G. VCF-style: chr16-2071933-A-G. GRCh37 (hg19) VCF-style: chr16-2121934-A-G.
Other names: c.2096A>G, p.Gln699Arg (NM_001077183.3, NM_001114382.3, NM_001363528.2 and 3 more transcripts); c.1985A>G, p.Gln662Arg (NM_001318827.2); c.1949A>G, p.Gln650Arg (NM_001318829.2); c.1496A>G, p.Gln499Arg (NM_001318831.2); c.2129A>G, p.Gln710Arg (NM_001318832.2); short protein forms Q662R, Q699R, Q710R, Q499R, Q650R.
Identifiers: ClinVar variation 820704 (VCV000820704.18), dbSNP rs1596345229, ClinGen allele CA394274732.

ClinVar aggregate classification (germline): Conflicting classifications of pathogenicity. Review status: criteria provided, conflicting classifications (1 of 4 stars). 4 submissions from 4 submitters: Uncertain significance (3); Likely benign (1). Last evaluated 2025-12-08.

Conditions:
Tuberous sclerosis syndrome (TSC). Also called: Tuberous Sclerosis Complex; Tuberous sclerosis. Identifiers: Orphanet 805, MedGen C0041341, MONDO:0001734.
Hereditary cancer-predisposing syndrome. Also called: Hereditary Cancer Syndrome; Neoplastic Syndromes, Hereditary; Hereditary neoplastic syndrome; Tumor predisposition. Identifiers: Orphanet 140162, MedGen C0027672, MeSH D009386, MONDO:0015356.
Tuberous sclerosis 2 (TSC2). Identifiers: Orphanet 805, MedGen C1860707, MONDO:0013199, OMIM 613254.

Allele frequency attached by ClinVar (database versions not stated): gnomAD exomes below 0.00001.
gnomAD v4.1: 2 of 1,577,646 alleles (0.00013%); highest among the groups gnomAD compares: Non-Finnish European, 0.00017%; no homozygotes.

Submissions (4):

Labcorp Genetics (formerly Invitae), Labcorp
Classification: Likely benign for Tuberous sclerosis 2. Last evaluated: 2025-12-08. Review status: criteria provided, single submitter. Criteria: Invitae Variant Classification Sherloc (09022015). Collection method: clinical testing. Allele origin: germline.

Ambry Genetics
Classification: Uncertain significance for Hereditary cancer-predisposing syndrome. Last evaluated: 2025-08-01. Review status: criteria provided, single submitter. Criteria: Ambry Variant Classification Scheme 2023. Collection method: clinical testing. Allele origin: germline.
Comment: The p.Q699R variant (also known as c.2096A>G), located in coding exon 18 of the TSC2 gene, results from an A to G substitution at nucleotide position 2096. The glutamine at codon 699 is replaced by arginine, an amino acid with highly similar properties. This amino acid position is well conserved in available vertebrate species. In addition, the in silico prediction for this alteration is inconclusive. Since supporting evidence is limited at this time, the clinical significance of this alteration remains unclear.

All of Us Research Program, National Institutes of Health
Classification: Uncertain significance for Tuberous sclerosis syndrome. Last evaluated: 2023-04-03. Review status: criteria provided, single submitter. Criteria: ACMG Guidelines, 2015. Collection method: clinical testing. Allele origin: germline. Inheritance: Autosomal dominant inheritance. Observed: 1 variant allele, 1 heterozygote.
Comment: This missense variant replaces glutamine with arginine at codon 699 of the TSC2 protein. Computational prediction is inconclusive regarding the impact of this variant on protein structure and function (internally defined REVEL score threshold 0.5 < inconclusive < 0.7, PMID: 27666373). To our knowledge, functional studies have not been reported for this variant. This variant has not been reported in individuals affected with TSC2-related disorders in the literature. This variant has not been identified in the general population by the Genome Aggregation Database (gnomAD). The available evidence is insufficient to determine the role of this variant in disease conclusively. Therefore, this variant is classified as a Variant of Uncertain Significance.

This study involves interpretation of variants in research participants for the purpose of population health screening. Participant phenotype was not available at the time of variant classification. Additional details can be found in publication PMID: 35346344, PMCID: PMC8962531

Genome-Nilou Lab
Classification: Uncertain significance for Tuberous sclerosis 2. Last evaluated: 2021-11-07. Review status: criteria provided, single submitter. Criteria: ACMG Guidelines, 2015. Collection method: clinical testing. Allele origin: germline. Affected: no.